The following is an entry in ClinVar:

NM_003000.3(SDHB):c.179C>T (p.Thr60Ile)

Gene: SDHB (succinate dehydrogenase complex iron sulfur subunit B; minus strand). Cytogenetic location: 1p36.13.
Variant type: single nucleotide variant.
Coding change: c.179C>T on transcript NM_003000.3 (MANE Select); coding-DNA position 179, C replaced by T.
Protein change: p.Thr60Ile; replaces threonine 60 with isoleucine.
Molecular consequence: missense variant.
Genome position (GRCh38, 1-based): chr1:17,044,782, G>A on the plus strand (C>T on the coding strand, the complement: SDHB is on the minus strand). VCF-style: chr1-17044782-G-A. GRCh37 (hg19) VCF-style: chr1-17371277-G-A.
Other names: short protein forms T60I.
Identifiers: ClinVar variation 652669 (VCV000652669.16), dbSNP rs1210793630, ClinGen allele CA338227775.

ClinVar aggregate classification (germline): Uncertain significance. Review status: criteria provided, multiple submitters, no conflicts (2 of 4 stars). 4 submissions from 4 submitters: Uncertain significance (4). Last evaluated 2026-04-13.

Conditions:
Pheochromocytoma/paraganglioma syndrome 4. Also called: SDHB-Related Hereditary Paraganglioma-Pheochromocytoma Syndrome (Paragangliomas 4); SDHB-Related Hereditary Paraganglioma-Pheochromocytoma Syndrome; CAROTID BODY TUMORS AND MULTIPLE EXTRAADRENAL PHEOCHROMOCYTOMAS; PARAGANGLIOMA, FAMILIAL MALIGNANT; PARAGANGLIOMAS, HEREDITARY EXTRAADRENAL; PHEOCHROMOCYTOMA, FAMILIAL EXTRAADRENAL. Identifiers: Orphanet 29072, MedGen C1861848, MONDO:0007273, OMIM 115310.
Pheochromocytoma. Also called: MAX-Related Hereditary Paraganglioma-Pheochromocytoma Syndrome. Identifiers: Orphanet 29072, MedGen C0031511, MONDO:0008233, OMIM 171300, HP:0002666.
Gastrointestinal stromal tumor. Also called: Gastrointestinal stromal tumor, somatic; Gastrointestinal stroma tumor. Identifiers: Orphanet 44890, MedGen C0238198, MeSH D046152, MONDO:0011719, OMIM 606764, HP:0100723.
Hereditary pheochromocytoma and paraganglioma. Also called: Hereditary paragangliomas and pheochromocytomas; Hereditary pheochromocytoma-paraganglioma; Hereditary Paraganglioma-Pheochromocytoma Syndromes. Identifiers: Orphanet 29072, MedGen C4274332, MONDO:0017366.
Hereditary cancer-predisposing syndrome. Also called: Neoplastic Syndromes, Hereditary; Tumor predisposition; Hereditary Cancer Syndrome; Hereditary neoplastic syndrome. Identifiers: Orphanet 140162, MedGen C0027672, MeSH D009386, MONDO:0015356.

Allele frequency attached by ClinVar (database versions not stated): gnomAD exomes below 0.00001 and 0.00001.
gnomAD v4.1: 6 of 1,614,064 alleles (0.00037%); highest among the groups gnomAD compares: Non-Finnish European, 0.00051%; 1 homozygote.

Submissions (4):

Ambry Genetics
Classification: Uncertain significance for Hereditary cancer-predisposing syndrome. Last evaluated: 2026-04-13. Review status: criteria provided, single submitter. Criteria: Ambry Variant Classification Scheme 2023. Collection method: clinical testing. Allele origin: germline.
Comment: The p.T60I variant (also known as c.179C>T), located in coding exon 2 of the SDHB gene, results from a C to T substitution at nucleotide position 179. The threonine at codon 60 is replaced by isoleucine, an amino acid with similar properties. Functional studies suggest this variant has wild-type-like SDH enzymatic activity; however, the physiological relevance of this finding is unclear (Lee S et al. J Clin Invest, 2026 Feb;136:). This amino acid position is highly conserved in available vertebrate species. In addition, this alteration is predicted to be deleterious by in silico analysis. Based on the available evidence, the clinical significance of this variant remains unclear.

Quest Diagnostics Nichols Institute San Juan Capistrano
Classification: Uncertain significance. Last evaluated: 2025-11-08. Review status: criteria provided, single submitter. Criteria: Quest Diagnostics criteria. Collection method: clinical testing. Allele origin: unknown.

Labcorp Genetics (formerly Invitae), Labcorp
Classification: Uncertain significance for Gastrointestinal stromal tumor; Pheochromocytoma/paraganglioma syndrome 4; Pheochromocytoma. Last evaluated: 2025-10-23. Review status: criteria provided, single submitter. Criteria: Invitae Variant Classification Sherloc (09022015). Collection method: clinical testing. Allele origin: germline.
Comment: This sequence change replaces threonine, which is neutral and polar, with isoleucine, which is neutral and non-polar, at codon 60 of the SDHB protein (p.Thr60Ile). This variant is present in population databases (no rsID available, gnomAD 0.0009%). This variant has not been reported in the literature in individuals affected with SDHB-related conditions. ClinVar contains an entry for this variant (Variation ID: 652669). Invitae Evidence Modeling of protein sequence and biophysical properties (such as structural, functional, and spatial information, amino acid conservation, physicochemical variation, residue mobility, and thermodynamic stability) indicates that this missense variant is not expected to disrupt SDHB protein function with a negative predictive value of 80%. In summary, the available evidence is currently insufficient to determine the role of this variant in disease. Therefore, it has been classified as a Variant of Uncertain Significance.

All of Us Research Program, National Institutes of Health
Classification: Uncertain significance for Hereditary pheochromocytoma and paraganglioma. Last evaluated: 2024-09-23. Review status: criteria provided, single submitter. Criteria: ACMG Guidelines, 2015. Collection method: clinical testing. Allele origin: germline. Inheritance: Autosomal dominant inheritance. Observed: 3 variant alleles, 3 heterozygotes.
Comment: This study involves interpretation of variants in research participants for the purpose of population health screening. Participant phenotype was not available at the time of variant classification. Additional details can be found in publication PMID: 35346344, PMCID: PMC8962531

Literature cited by the submitters: PubMed 41252211 (cited by Ambry Genetics).